The following is an entry in ClinVar:

ClinVar aggregate classification (germline): Uncertain significance (1 of 4 stars; one submission).

Allele frequency attached by ClinVar (database versions not stated): gnomAD 0.00002; gnomAD exomes 0.00002 and 0.00006; TOPMed 0.00002.
gnomAD v4.1: 88 of 1,552,304 alleles (0.0057%); highest among the groups gnomAD compares: Non-Finnish European, 0.0077%; no homozygotes.

Submission:

Labcorp Genetics (formerly Invitae), Labcorp
Classification: Uncertain significance. Last evaluated: 2021-10-15. Review status: criteria provided, single submitter. Criteria: Invitae Variant Classification Sherloc (09022015). Collection method: clinical testing. Allele origin: germline.
Comment: This sequence change replaces glutamic acid with alanine at codon 28 of the SERPINF1 protein (p.Glu28Ala). The glutamic acid residue is weakly conserved and there is a moderate physicochemical difference between glutamic acid and alanine. In summary, the available evidence is currently insufficient to determine the role of this variant in disease. Therefore, it has been classified as a Variant of Uncertain Significance. Experimental studies and prediction algorithms are not available or were not evaluated, and the effect of this variant on mRNA splicing is currently unknown. Algorithms developed to predict the effect of missense changes on protein structure and function output the following: SIFT: "Not Available"; PolyPhen-2: "Benign"; Align-GVGD: "Not Available". The alanine amino acid residue is found in multiple mammalian species, which suggests that this missense change does not adversely affect protein function. This variant has not been reported in the literature in individuals affected with SERPINF1-related conditions. This variant is not present in population databases (ExAC no frequency).

NM_002615.7(SERPINF1):c.83A>C (p.Glu28Ala)

Gene: SERPINF1 (serpin family F member 1; plus strand). Cytogenetic location: 17p13.3.
Variant type: single nucleotide variant.
Coding change: c.83A>C on transcript NM_002615.7 (MANE Select); coding-DNA position 83, A replaced by C.
Protein change: p.Glu28Ala; replaces glutamic acid 28 with alanine.
Molecular consequence: missense variant. On other transcripts: intron variant (1).
Genome position (GRCh38, 1-based): chr17:1,766,993, A>C. VCF-style: chr17-1766993-A-C. GRCh37 (hg19) VCF-style: chr17-1670287-A-C.
Other names: c.83A>C, p.Glu28Ala (NM_001329903.2); c.-477-2859A>C (NM_001329904.2); short protein forms E28A.
Identifiers: ClinVar variation 1354977 (VCV001354977.5), dbSNP rs1051979109, ClinGen allele CA286836401.